The following is an entry in ClinVar:

ClinVar aggregate classification (germline): Benign (1 of 4 stars; one submission).

Submission:

CeGaT Center for Human Genetics Tuebingen
Classification: Benign. Last evaluated: 2022-09-01. Review status: criteria provided, single submitter. Criteria: CeGaT Center For Human Genetics Tuebingen Variant Classification Criteria Version 2. Collection method: clinical testing. Allele origin: germline. Affected: yes. Observed: 1 variant allele.
Comment: VCL: BS1, BS2

NM_014000.3(VCL):c.*1860_*1862del

Gene: VCL (vinculin; plus strand). Cytogenetic location: 10q22.2.
Variant type: Deletion.
Coding change: c.*1860_*1862del on transcript NM_014000.3 (MANE Select); 1860 bases downstream of the stop codon through 1862 bases downstream of the stop codon, 3 bases deleted (AAA; older notation c.*1860_*1862delAAA).
Molecular consequence: 3 prime UTR variant.
Genome position (GRCh38, 1-based): chr10:74,120,029-74,120,031, AAA deleted; deleting any 3 consecutive bases within chr10:74,120,012-74,120,031 gives the same sequence; the c. name uses the placement nearest the transcript's 3' end. VCF-style (leftmost placement, unchanged base first): chr10-74120011-TAAA-T. GRCh37 (hg19) VCF-style: chr10-75879769-TAAA-T.
Other names: c.*1860_*1862del (NM_003373.4).
Identifiers: ClinVar variation 2640597 (VCV002640597.24), dbSNP rs3037361, ClinGen allele CA594709417.